The following is an entry in ClinVar:

ClinVar aggregate classification (germline): Likely benign (0 of 4 stars; one submission).

Conditions:
FAM47A-related disorder. Also called: FAM47A-related condition.

Allele frequency attached by ClinVar (database versions not stated): gnomAD exomes 0.00095; 1000 Genomes Project 30x 0.00146; 1000 Genomes Project 0.00159; ExAC 0.00268; gnomAD 0.00292; ESP Exome Variant Server 0.00332.
gnomAD v4.1: 1,340 of 1,174,935 alleles (0.11%); highest among the groups gnomAD compares: African/African-American, 0.36%; 5 homozygotes.

Submission:

PreventionGenetics, part of Exact Sciences
Classification: Likely benign for FAM47A-related condition. Last evaluated: 2022-10-10. Review status: no assertion criteria provided. Collection method: clinical testing. Allele origin: germline.
Comment: This variant is classified as likely benign based on ACMG/AMP sequence variant interpretation guidelines (Richards et al. 2015 PMID: 25741868, with internal and published modifications).

NM_203408.4(FAM47A):c.1475A>G (p.His492Arg)

Gene: FAM47A (family with sequence similarity 47 member A; minus strand). Cytogenetic location: Xp21.1.
Variant type: single nucleotide variant.
Coding change: c.1475A>G on transcript NM_203408.4 (MANE Select); coding-DNA position 1475, A replaced by G.
Protein change: p.His492Arg; replaces histidine 492 with arginine.
Molecular consequence: missense variant.
Genome position (GRCh38, 1-based): chrX:34,130,804, T>C on the plus strand (A>G on the coding strand, the complement: FAM47A is on the minus strand). VCF-style: chrX-34130804-T-C. GRCh37 (hg19) VCF-style: chrX-34148921-T-C.
Other names: short protein forms H492R.
Identifiers: ClinVar variation 3057212 (VCV003057212.2), dbSNP rs201826329, ClinGen allele CA10380464.